The following is an entry in ClinVar:

ClinVar aggregate classification (germline): Uncertain significance. Review status: criteria provided, multiple submitters, no conflicts (2 of 4 stars). 2 submissions from 2 submitters: Uncertain significance (2). Last evaluated 2025-05-23.

Submissions (2):

Ambry Genetics
Classification: Uncertain significance. Last evaluated: 2025-05-23. Review status: criteria provided, single submitter. Criteria: Ambry Variant Classification Scheme 2023. Collection method: clinical testing. Allele origin: germline.
Comment: The p.P626A variant (also known as c.1876C>G), located in coding exon 19 of the SRP72 gene, results from a C to G substitution at nucleotide position 1876. The proline at codon 626 is replaced by alanine, an amino acid with highly similar properties. This amino acid position is conserved. In addition, the in silico prediction for this alteration is inconclusive. Based on the available evidence, the clinical significance of this variant remains unclear.

Labcorp Genetics (formerly Invitae), Labcorp
Classification: Uncertain significance. Last evaluated: 2024-04-01. Review status: criteria provided, single submitter. Criteria: Invitae Variant Classification Sherloc (09022015). Collection method: clinical testing. Allele origin: germline.
Comment: This sequence change replaces proline, which is neutral and non-polar, with alanine, which is neutral and non-polar, at codon 626 of the SRP72 protein (p.Pro626Ala). This variant is not present in population databases (gnomAD no frequency). This variant has not been reported in the literature in individuals affected with SRP72-related conditions. Advanced modeling of protein sequence and biophysical properties (such as structural, functional, and spatial information, amino acid conservation, physicochemical variation, residue mobility, and thermodynamic stability) performed at Invitae indicates that this missense variant is not expected to disrupt SRP72 protein function with a negative predictive value of 80%. In summary, the available evidence is currently insufficient to determine the role of this variant in disease. Therefore, it has been classified as a Variant of Uncertain Significance.

NM_006947.4(SRP72):c.1876C>G (p.Pro626Ala)

Gene: SRP72 (signal recognition particle 72; plus strand). Cytogenetic location: 4q12.
Variant type: single nucleotide variant.
Coding change: c.1876C>G on transcript NM_006947.4 (MANE Select); coding-DNA position 1876, C replaced by G.
Protein change: p.Pro626Ala; replaces proline 626 with alanine.
Molecular consequence: missense variant. On other transcripts: non-coding transcript variant (1).
Genome position (GRCh38, 1-based): chr4:56,501,721, C>G. VCF-style: chr4-56501721-C-G. GRCh37 (hg19) VCF-style: chr4-57367887-C-G.
Other names: c.1693C>G, p.Pro565Ala (NM_001267722.2); c.1876C>G (NM_006947.3); short protein forms P565A, P626A.
Identifiers: ClinVar variation 3613490 (VCV003613490.3).